The following is an entry in ClinVar:

NM_004064.5(CDKN1B):c.475+2T>A

Gene: CDKN1B (cyclin dependent kinase inhibitor 1B; plus strand). Cytogenetic location: 12p13.1.
Variant type: single nucleotide variant.
Coding change: c.475+2T>A on transcript NM_004064.5 (MANE Select); the canonical splice donor site of the intron after coding-DNA position 475, T replaced by A.
Molecular consequence: splice donor variant.
Genome position (GRCh38, 1-based): chr12:12,718,316, T>A. VCF-style: chr12-12718316-T-A. GRCh37 (hg19) VCF-style: chr12-12871250-T-A.
Identifiers: ClinVar variation 2005225 (VCV002005225.4), dbSNP rs1946500748, ClinGen allele CA383971044.

ClinVar aggregate classification (germline): Uncertain significance (1 of 4 stars; one submission).

Conditions:
Multiple endocrine neoplasia type 4. Also called: MULTIPLE ENDOCRINE NEOPLASIA, TYPE IV. Identifiers: Orphanet 276152, MedGen C1970712, MONDO:0012552, OMIM 610755.

Submission:

Labcorp Genetics (formerly Invitae), Labcorp
Classification: Uncertain significance for Multiple endocrine neoplasia type 4. Last evaluated: 2022-06-12. Review status: criteria provided, single submitter. Criteria: Invitae Variant Classification Sherloc (09022015). Collection method: clinical testing. Allele origin: germline.
Comment: This variant has not been reported in the literature in individuals affected with CDKN1B-related conditions. Variants that disrupt the consensus splice site are a relatively common cause of aberrant splicing (PMID: 17576681, 9536098). Algorithms developed to predict the effect of sequence changes on RNA splicing suggest that this variant may disrupt the consensus splice site. In summary, the available evidence is currently insufficient to determine the role of this variant in disease. Therefore, it has been classified as a Variant of Uncertain Significance. This sequence change affects a donor splice site in intron 1 of the CDKN1B gene. While this variant is not anticipated to result in nonsense mediated decay, it likely alters RNA splicing and results in a disrupted protein product. This variant is not present in population databases (gnomAD no frequency).

Literature cited by the submitters: PubMed 17576681; PubMed 9536098.